The following is an entry in ClinVar:

ClinVar aggregate classification (germline): Uncertain significance (1 of 4 stars; one submission).

Conditions:
Inborn genetic diseases. Identifiers: MedGen C0950123, MeSH D030342.

Submission:

Ambry Genetics
Classification: Uncertain significance for Inborn genetic diseases. Last evaluated: 2025-02-12. Review status: criteria provided, single submitter. Criteria: Ambry Variant Classification Scheme 2023. Collection method: clinical testing. Allele origin: germline.
Comment: The p.Q1381R variant (also known as c.4142A>G), located in coding exon 1 of the SAMD9L gene, results from an A to G substitution at nucleotide position 4142. The glutamine at codon 1381 is replaced by arginine, an amino acid with highly similar properties. This amino acid position is conserved. In addition, this alteration is predicted to be tolerated by in silico analysis. Based on the available evidence, the clinical significance of this variant remains unclear.

NM_152703.5(SAMD9L):c.4142A>G (p.Gln1381Arg)

Gene: SAMD9L (sterile alpha motif domain containing 9 like; minus strand). Cytogenetic location: 7q21.2.
Variant type: single nucleotide variant.
Coding change: c.4142A>G on transcript NM_152703.5 (MANE Select); coding-DNA position 4142, A replaced by G.
Protein change: p.Gln1381Arg; replaces glutamine 1381 with arginine.
Molecular consequence: missense variant.
Genome position (GRCh38, 1-based): chr7:93,131,830, T>C on the plus strand (A>G on the coding strand, the complement: SAMD9L is on the minus strand). VCF-style: chr7-93131830-T-C. GRCh37 (hg19) VCF-style: chr7-92761143-T-C.
Other names: c.4142A>G, p.Gln1381Arg (NM_001303496.3, NM_001303497.3, NM_001303498.3 and 5 more transcripts); short protein forms Q1381R.
Identifiers: ClinVar variation 3792416 (VCV003792416.1).